The following is an entry in ClinVar:

NM_005751.5(AKAP9):c.2509A>G (p.Ile837Val)

Gene: AKAP9 (A-kinase anchoring protein 9; plus strand). Cytogenetic location: 7q21.2.
Variant type: single nucleotide variant.
Coding change: c.2509A>G on transcript NM_005751.5 (MANE Select); coding-DNA position 2509, A replaced by G.
Protein change: p.Ile837Val; replaces isoleucine 837 with valine.
Molecular consequence: missense variant.
Genome position (GRCh38, 1-based): chr7:92,002,426, A>G. VCF-style: chr7-92002426-A-G. GRCh37 (hg19) VCF-style: chr7-91631740-A-G.
Other names: c.2509A>G, p.Ile837Val (NM_147185.3); short protein forms I837V.
Identifiers: ClinVar variation 4869055 (VCV004869055.1).

ClinVar aggregate classification (germline): Uncertain significance (1 of 4 stars; one submission).

Conditions:
Cardiovascular phenotype. Identifiers: MedGen CN230736.

Submission:

Ambry Genetics
Classification: Uncertain significance for Cardiovascular phenotype. Last evaluated: 2026-05-14. Review status: criteria provided, single submitter. Criteria: Ambry Variant Classification Scheme 2023. Collection method: clinical testing. Allele origin: germline.
Comment: The p.I837V variant (also known as c.2509A>G), located in coding exon 8 of the AKAP9 gene, results from an A to G substitution at nucleotide position 2509. The isoleucine at codon 837 is replaced by valine, an amino acid with highly similar properties. This amino acid position is conserved. In addition, this alteration is predicted to be tolerated by in silico analysis. Based on the available evidence, the clinical significance of this variant remains unclear.